The following is an entry in ClinVar:

NM_000944.5(PPP3CA):c.865C>A (p.Arg289Ser)

Gene: PPP3CA (protein phosphatase 3 catalytic subunit alpha; minus strand). Cytogenetic location: 4q24.
Variant type: single nucleotide variant.
Coding change: c.865C>A on transcript NM_000944.5 (MANE Select); coding-DNA position 865, C replaced by A.
Protein change: p.Arg289Ser; replaces arginine 289 with serine.
Molecular consequence: missense variant.
Genome position (GRCh38, 1-based): chr4:101,080,622, G>T on the plus strand (C>A on the coding strand, the complement: PPP3CA is on the minus strand). VCF-style: chr4-101080622-G-T. GRCh37 (hg19) VCF-style: chr4-102001779-G-T.
Other names: c.865C>A, p.Arg289Ser (NM_001130691.2, NM_001130692.2); short protein forms R289S.
Identifiers: ClinVar variation 2444614 (VCV002444614.1), dbSNP rs2110239163, ClinGen allele CA357949790.

ClinVar aggregate classification (germline): Uncertain significance (1 of 4 stars; one submission).

Submission:

GeneDx
Classification: Uncertain significance. Last evaluated: 2023-03-17. Review status: criteria provided, single submitter. Criteria: GeneDx Variant Classification Process June 2021. Collection method: clinical testing. Allele origin: germline. Affected: yes.
Comment: Not observed at significant frequency in large population cohorts (gnomAD); In silico analysis supports that this missense variant has a deleterious effect on protein structure/function; Has not been previously published as pathogenic or benign to our knowledge